The following is an entry in ClinVar:

NM_015338.6(ASXL1):c.3392C>T (p.Ser1131Leu)

Gene: ASXL1 (ASXL transcriptional regulator 1; plus strand). Cytogenetic location: 20q11.21.
Variant type: single nucleotide variant.
Coding change: c.3392C>T on transcript NM_015338.6 (MANE Select); coding-DNA position 3392, C replaced by T.
Protein change: p.Ser1131Leu; replaces serine 1131 with leucine.
Molecular consequence: missense variant.
Genome position (GRCh38, 1-based): chr20:32,436,104, C>T. VCF-style: chr20-32436104-C-T. GRCh37 (hg19) VCF-style: chr20-31023907-C-T.
Other names: c.3209C>T, p.Ser1070Leu (NM_001363734.1); short protein forms S1070L, S1131L.
Identifiers: ClinVar variation 3956822 (VCV003956822.1).
Genomic context (GRCh38, chr20:32,436,104, plus strand): 5'-TGCTGCAGGGTAGCTTGCCCCTAGAGAAGGTTCTTCCACCAGCCCACGATGACAGCATGT[C>T]AGAATCCCCACAAGTACCACTTACAAAAGACCAGAGCCATGGCTCGCTACGCATGGGATC-3'
Protein context (NP_056153.2, residues 1121-1141): VLPPAHDDSM[Ser1131Leu]ESPQVPLTKD

ClinVar aggregate classification (germline): Uncertain significance (1 of 4 stars; one submission).

Conditions:
Inborn genetic diseases. Identifiers: MedGen C0950123, MeSH D030342.

gnomAD v4.1: 1 of 1,614,032 alleles (0.000062%); highest among the groups gnomAD compares: African/African-American, 0.0013%; no homozygotes.

Submission:

Ambry Genetics
Classification: Uncertain significance for Inborn genetic diseases. Last evaluated: 2025-05-10. Review status: criteria provided, single submitter. Criteria: Ambry Variant Classification Scheme 2023. Collection method: clinical testing. Allele origin: germline.
Comment: The p.S1131L variant (also known as c.3392C>T), located in coding exon 13 of the ASXL1 gene, results from a C to T substitution at nucleotide position 3392. The serine at codon 1131 is replaced by leucine, an amino acid with dissimilar properties. This amino acid position is conserved. In addition, this alteration is predicted to be tolerated by in silico analysis. Based on the available evidence, the clinical significance of this variant remains unclear.